The following is an entry in ClinVar:

NM_001999.4(FBN2):c.1799_1800delinsTT (p.Cys600Phe)

Gene: FBN2 (fibrillin 2; minus strand). Cytogenetic location: 5q23.3.
Variant type: Indel.
Coding change: c.1799_1800delinsTT on transcript NM_001999.4 (MANE Select); coding-DNA positions 1799 to 1800, GC replaced by TT.
Protein change: p.Cys600Phe; replaces cysteine 600 with phenylalanine.
Molecular consequence: missense variant.
Genome position (GRCh38, 1-based): chr5:128,377,801-128,377,802, GC replaced by AA on the plus strand (GC replaced by TT on the coding strand, the reverse complement: FBN2 is on the minus strand). VCF-style: chr5-128377801-GC-AA. GRCh37 (hg19) VCF-style: chr5-127713494-GC-AA.
Other names: short protein forms C600F.
Identifiers: ClinVar variation 828002 (VCV000828002.1), dbSNP rs1581251031, ClinGen allele CA915942644.

ClinVar aggregate classification (germline): Uncertain significance (1 of 4 stars; one submission).

Conditions:
Congenital contractural arachnodactyly (CCA). Also called: BEALS SYNDROME; Arthrogryposis, distal, type 9; Beals-Hecht syndrome. Identifiers: Orphanet 115, MedGen C0220668, MONDO:0007363, OMIM 121050.
Macular degeneration, early-onset (EOMD). Identifiers: MedGen C4015286, MONDO:0014501, OMIM 616118.

Submission:

Center for Genomics, Ann and Robert H. Lurie Children's Hospital of Chicago
Classification: Uncertain significance for Congenital contractural arachnodactyly; Macular degeneration, early-onset. Last evaluated: 2019-09-17. Review status: criteria provided, single submitter. Criteria: ACMG Guidelines, 2015. Collection method: clinical testing. Allele origin: germline.
Comment: FBN2 NM_001999.3 exon 13 p.Cys600Phe (c.1799_1800delinsTT): This variant has not been reported in the literature and is not present in large control databases. Evolutionary conservation and computational predictive tools suggest that this variant may impact the protein. Of note, this variant affects a cysteine residue in the epidermal growth factor (EGF) domain of the FBN2 protein, which is highly conserved. In summary, data on this variant is insufficient for disease classification. Therefore, the clinical significance of this variant is uncertain.